The following is an entry in ClinVar:

NM_001388492.1(HTT):c.3475G>C (p.Val1159Leu)

Gene: HTT (huntingtin; plus strand). Cytogenetic location: 4p16.3.
Variant type: single nucleotide variant.
Coding change: c.3475G>C on transcript NM_001388492.1 (MANE Select); coding-DNA position 3475, G replaced by C.
Protein change: p.Val1159Leu; replaces valine 1159 with leucine.
Molecular consequence: missense variant.
Genome position (GRCh38, 1-based): chr4:3,148,184, G>C. VCF-style: chr4-3148184-G-C. GRCh37 (hg19) VCF-style: chr4-3149911-G-C.
Other names: c.3481G>C, p.Val1161Leu (NM_002111.8); short protein forms V1161L, V1159L.
Identifiers: ClinVar variation 1367297 (VCV001367297.6), dbSNP rs768494083, ClinGen allele CA356099072.

ClinVar aggregate classification (germline): Uncertain significance (1 of 4 stars; one submission).

Submission:

Labcorp Genetics (formerly Invitae), Labcorp
Classification: Uncertain significance. Last evaluated: 2022-08-09. Review status: criteria provided, single submitter. Criteria: Invitae Variant Classification Sherloc (09022015). Collection method: clinical testing. Allele origin: germline.
Comment: Experimental studies and prediction algorithms are not available or were not evaluated, and the functional significance of this variant is currently unknown. In summary, the available evidence is currently insufficient to determine the role of this variant in disease. Therefore, it has been classified as a Variant of Uncertain Significance. ClinVar contains an entry for this variant (Variation ID: 1367297). This variant has not been reported in the literature in individuals affected with HTT-related conditions. This variant is not present in population databases (gnomAD no frequency). This sequence change replaces valine, which is neutral and non-polar, with leucine, which is neutral and non-polar, at codon 1161 of the HTT protein (p.Val1161Leu).